The following is an entry in ClinVar:

NM_033310.3(KCNK4):c.264G>A (p.Trp88Ter)

Genes: KCNK4 (potassium two pore domain channel subfamily K member 4; plus strand), KCNK4-CATSPERZ (KCNK4-CATSPERZ readthrough (NMD candidate); plus strand). Cytogenetic location: 11q13.1.
Variant type: single nucleotide variant.
Coding change: c.264G>A on transcript NM_033310.3 (MANE Select); coding-DNA position 264, G replaced by A.
Protein change: p.Trp88Ter; replaces tryptophan 88 with a stop codon.
Molecular consequence: nonsense. On other transcripts: non-coding transcript variant (3).
Genome position (GRCh38, 1-based): chr11:64,296,952, G>A. VCF-style: chr11-64296952-G-A. GRCh37 (hg19) VCF-style: chr11-64064424-G-A.
Other names: c.264G>A, p.Trp88Ter (NM_001317090.2); short protein forms W88*.
Identifiers: ClinVar variation 1690584 (VCV001690584.4), dbSNP rs1197665953, ClinGen allele CA381162455.
Genomic context (GRCh38, chr11:64,296,952, plus strand): 5'-CCTGGGAGGGGGTGCGGACCCAGAAACCAACTCGACCAGCAACAGCAGCCACTCAGCCTG[G>A]GACCTGGGCAGCGCCTTCTTTTTCTCAGGGACCATCATCACCACCATCGGTGGGGGAGGG-3'

ClinVar aggregate classification (germline): Conflicting classifications of pathogenicity. Review status: criteria provided, conflicting classifications (1 of 4 stars). 2 submissions from 2 submitters: Uncertain significance (1); Likely benign (1). Last evaluated 2025-11-03.

Allele frequency attached by ClinVar (database versions not stated): TOPMed below 0.00001; gnomAD exomes 0.00001.
gnomAD v4.1: 6 of 1,517,206 alleles (0.0004%); highest among the groups gnomAD compares: Admixed American, 0.0023%; no homozygotes.

Submissions (2):

Labcorp Genetics (formerly Invitae), Labcorp
Classification: Likely benign. Last evaluated: 2025-11-03. Review status: criteria provided, single submitter. Criteria: Invitae Variant Classification Sherloc (09022015). Collection method: clinical testing. Allele origin: germline.

Laboratorio de Genetica e Diagnostico Molecular, Hospital Israelita Albert Einstein
Classification: Uncertain significance. Last evaluated: 2022-03-16. Review status: criteria provided, single submitter. Criteria: ACMG Guidelines, 2015. Collection method: clinical testing. Allele origin: germline. Affected: yes.
Comment: ACMG classification criteria: PM2